The following is an entry in ClinVar:

NM_021072.4(HCN1):c.2287C>T (p.Pro763Ser)

Gene: HCN1 (hyperpolarization activated cyclic nucleotide gated potassium channel 1; minus strand). Cytogenetic location: 5p12.
Variant type: single nucleotide variant.
Coding change: c.2287C>T on transcript NM_021072.4 (MANE Select); coding-DNA position 2287, C replaced by T.
Protein change: p.Pro763Ser; replaces proline 763 with serine.
Molecular consequence: missense variant.
Genome position (GRCh38, 1-based): chr5:45,262,307, G>A on the plus strand (C>T on the coding strand, the complement: HCN1 is on the minus strand). VCF-style: chr5-45262307-G-A. GRCh37 (hg19) VCF-style: chr5-45262409-G-A.
Other names: short protein forms P763S.
Identifiers: ClinVar variation 2662104 (VCV002662104.1), dbSNP rs2478181891, ClinGen allele CA359703651.
Genomic context (GRCh38, chr5:45,262,307, plus strand): 5'-CTTCCCGGGTCAGGTTGGTGTTGTGAAGCGCCTGCGTGCTCTTGTGCACTTCATTTTTCG[G>A]CGTGGAGCTGCCAGGTGTCTGTGGCTGCGGGGACGGCTGCTGTGGCTGAGTCTGCGGCGG-3'
Protein context (NP_066550.2, residues 753-773): PQPQTPGSST[Pro763Ser]KNEVHKSTQA

ClinVar aggregate classification (germline): Uncertain significance (1 of 4 stars; one submission).

Submission:

GeneDx
Classification: Uncertain significance. Last evaluated: 2023-04-20. Review status: criteria provided, single submitter. Criteria: GeneDx Variant Classification Process June 2021. Collection method: clinical testing. Allele origin: germline. Affected: yes.
Comment: Not observed at significant frequency in large population cohorts (gnomAD); In silico analysis supports that this missense variant does not alter protein structure/function; Has not been previously published as pathogenic or benign to our knowledge